The following is an entry in ClinVar:

ClinVar aggregate classification (germline): Likely benign (0 of 4 stars; one submission).

Conditions:
KIF26B-related disorder. Also called: KIF26B-related condition.

Allele frequency attached by ClinVar (database versions not stated): gnomAD 0.00178; TOPMed 0.00191; ExAC 0.00203; ESP Exome Variant Server 0.00219; gnomAD exomes 0.00280.
gnomAD v4.1: 4,352 of 1,613,856 alleles (0.27%); highest among the groups gnomAD compares: Non-Finnish European, 0.34%; 8 homozygotes.

Submission:

PreventionGenetics, part of Exact Sciences
Classification: Likely benign for KIF26B-related condition. Last evaluated: 2019-04-01. Review status: no assertion criteria provided. Collection method: clinical testing. Allele origin: germline.
Comment: This variant is classified as likely benign based on ACMG/AMP sequence variant interpretation guidelines (Richards et al. 2015 PMID: 25741868, with internal and published modifications).

NM_018012.4(KIF26B):c.1074G>A (p.Lys358=)

Gene: KIF26B (kinesin family member 26B; plus strand). Cytogenetic location: 1q44.
Variant type: single nucleotide variant.
Coding change: c.1074G>A on transcript NM_018012.4 (MANE Select); coding-DNA position 1074, G replaced by A.
Protein change: p.Lys358=; no amino-acid change (lysine 358 retained).
Molecular consequence: synonymous variant.
Genome position (GRCh38, 1-based): chr1:245,419,653, G>A. VCF-style: chr1-245419653-G-A. GRCh37 (hg19) VCF-style: chr1-245582955-G-A.
Identifiers: ClinVar variation 3039709 (VCV003039709.2), dbSNP rs199613431, ClinGen allele CA1487557.
Genomic context (GRCh38, chr1:245,419,653, plus strand): 5'-GACAGAGAGTAGCCGGGAGGGACTAACAGAAGCAGTGCTGAACCGCTACAATGCAGACAA[G>A]CCTTCCGCCTGCAGTGTCCCAGCCTCGCAGGGCTCCTGCGTGGCCAGCGAGACTTCCACA-3'
Protein context (NP_060482.2, residues 348-368): EAVLNRYNAD[Lys358=]PSACSVPASQ